The following is an entry in ClinVar:

NM_001029883.3(PCARE):c.1317C>A (p.Ser439Arg)

Gene: PCARE (photoreceptor cilium actin regulator; minus strand). Cytogenetic location: 2p23.2.
Variant type: single nucleotide variant.
Coding change: c.1317C>A on transcript NM_001029883.3 (MANE Select); coding-DNA position 1317, C replaced by A.
Protein change: p.Ser439Arg; replaces serine 439 with arginine.
Molecular consequence: missense variant.
Genome position (GRCh38, 1-based): chr2:29,072,945, G>T on the plus strand (C>A on the coding strand, the complement: PCARE is on the minus strand). VCF-style: chr2-29072945-G-T. GRCh37 (hg19) VCF-style: chr2-29295811-G-T.
Other names: short protein forms S439R.
Identifiers: ClinVar variation 1910264 (VCV001910264.4), dbSNP rs753845822, ClinGen allele CA1592448.

ClinVar aggregate classification (germline): Uncertain significance (1 of 4 stars; one submission).

Allele frequency attached by ClinVar (database versions not stated): TOPMed 0.00001; ExAC 0.00005.
gnomAD v4.1: 35 of 1,614,024 alleles (0.0022%); highest among the groups gnomAD compares: South Asian, 0.036%; no homozygotes.

Submission:

Labcorp Genetics (formerly Invitae), Labcorp
Classification: Uncertain significance. Last evaluated: 2022-03-29. Review status: criteria provided, single submitter. Criteria: Invitae Variant Classification Sherloc (09022015). Collection method: clinical testing. Allele origin: germline.
Comment: In summary, the available evidence is currently insufficient to determine the role of this variant in disease. Therefore, it has been classified as a Variant of Uncertain Significance. Algorithms developed to predict the effect of missense changes on protein structure and function (SIFT, PolyPhen-2, Align-GVGD) all suggest that this variant is likely to be tolerated. This variant has not been reported in the literature in individuals affected with PCARE-related conditions. This variant is present in population databases (rs753845822, gnomAD 0.03%). This sequence change replaces serine, which is neutral and polar, with arginine, which is basic and polar, at codon 439 of the PCARE protein (p.Ser439Arg).